The following is an entry in ClinVar:

ClinVar aggregate classification (germline): Uncertain significance (1 of 4 stars; one submission).

Conditions:
Inborn genetic diseases. Identifiers: MedGen C0950123, MeSH D030342.

Submission:

Ambry Genetics
Classification: Uncertain significance for Inborn genetic diseases. Last evaluated: 2024-10-23. Review status: criteria provided, single submitter. Criteria: Ambry Variant Classification Scheme 2023. Collection method: clinical testing. Allele origin: germline.
Comment: The p.A2203T variant (also known as c.6607G>A), located in coding exon 45 of the LRRK2 gene, results from a G to A substitution at nucleotide position 6607. The alanine at codon 2203 is replaced by threonine, an amino acid with similar properties. This amino acid position is conserved. In addition, this alteration is predicted to be tolerated by in silico analysis. Since supporting evidence is limited at this time, the clinical significance of this alteration remains unclear.

NM_198578.4(LRRK2):c.6607G>A (p.Ala2203Thr)

Gene: LRRK2 (leucine rich repeat kinase 2; plus strand). Cytogenetic location: 12q12.
Variant type: single nucleotide variant.
Coding change: c.6607G>A on transcript NM_198578.4 (MANE Select); coding-DNA position 6607, G replaced by A.
Protein change: p.Ala2203Thr; replaces alanine 2203 with threonine.
Molecular consequence: missense variant.
Genome position (GRCh38, 1-based): chr12:40,354,329, G>A. VCF-style: chr12-40354329-G-A. GRCh37 (hg19) VCF-style: chr12-40748131-G-A.
Other names: short protein forms A2203T.
Identifiers: ClinVar variation 1754442 (VCV001754442.3), dbSNP rs1016344366, ClinGen allele CA235346013.